The following is an entry in ClinVar:

ClinVar aggregate classification (germline): Uncertain significance (1 of 4 stars; one submission).

Conditions:
Autosomal dominant polycystic kidney disease. Identifiers: Orphanet 730, MedGen C0085413, MONDO:0004691.

Allele frequency attached by ClinVar (database versions not stated): gnomAD exomes below 0.00001; TOPMed below 0.00001; gnomAD 0.00001.
gnomAD v4.1: 5 of 1,609,126 alleles (0.00031%); highest among the groups gnomAD compares: Non-Finnish European, 0.00043%; no homozygotes.

Submission:

Labcorp Genetics (formerly Invitae), Labcorp
Classification: Uncertain significance for Autosomal dominant polycystic kidney disease. Last evaluated: 2024-06-18. Review status: criteria provided, single submitter. Criteria: Invitae Variant Classification Sherloc (09022015). Collection method: clinical testing. Allele origin: germline.
Comment: This sequence change replaces serine, which is neutral and polar, with glycine, which is neutral and non-polar, at codon 219 of the PKD2 protein (p.Ser219Gly). This variant is present in population databases (no rsID available, gnomAD 0.0009%). This variant has not been reported in the literature in individuals affected with PKD2-related conditions. ClinVar contains an entry for this variant (Variation ID: 1906411). Advanced modeling of protein sequence and biophysical properties (such as structural, functional, and spatial information, amino acid conservation, physicochemical variation, residue mobility, and thermodynamic stability) performed at Invitae indicates that this missense variant is not expected to disrupt PKD2 protein function with a negative predictive value of 80%. In summary, the available evidence is currently insufficient to determine the role of this variant in disease. Therefore, it has been classified as a Variant of Uncertain Significance.

NM_000297.4(PKD2):c.655A>G (p.Ser219Gly)

Gene: PKD2 (polycystin 2, transient receptor potential cation channel; plus strand). Cytogenetic location: 4q22.1.
Variant type: single nucleotide variant.
Coding change: c.655A>G on transcript NM_000297.4 (MANE Select); coding-DNA position 655, A replaced by G.
Protein change: p.Ser219Gly; replaces serine 219 with glycine.
Molecular consequence: missense variant. On other transcripts: non-coding transcript variant (1).
Genome position (GRCh38, 1-based): chr4:88,019,517, A>G. VCF-style: chr4-88019517-A-G. GRCh37 (hg19) VCF-style: chr4-88940669-A-G.
Other names: short protein forms S219G.
Identifiers: ClinVar variation 1906411 (VCV001906411.5), dbSNP rs1422462139, ClinGen allele CA357628405.